The following is an entry in ClinVar:

ClinVar aggregate classification (germline): Likely benign (0 of 4 stars; one submission).

Conditions:
GLI2-related disorder. Also called: GLI2-related condition; GLI2-related disorders.

Allele frequency attached by ClinVar (database versions not stated): gnomAD exomes below 0.00001.
gnomAD v4.1: 1 of 1,574,400 alleles (0.000064%); highest among the groups gnomAD compares: Non-Finnish European, 0.000086%; no homozygotes.

Submission:

PreventionGenetics, part of Exact Sciences
Classification: Likely benign for GLI2-related condition. Last evaluated: 2023-08-29. Review status: no assertion criteria provided. Collection method: clinical testing. Allele origin: germline.
Comment: This variant is classified as likely benign based on ACMG/AMP sequence variant interpretation guidelines (Richards et al. 2015 PMID: 25741868, with internal and published modifications).

NM_001374353.1(GLI2):c.2289G>C (p.Ala763=)

Gene: GLI2 (GLI family zinc finger 2; plus strand). Cytogenetic location: 2q14.2.
Variant type: single nucleotide variant.
Coding change: c.2289G>C on transcript NM_001374353.1 (MANE Select); coding-DNA position 2289, G replaced by C.
Protein change: p.Ala763=; no amino-acid change (alanine 763 retained).
Molecular consequence: synonymous variant.
Genome position (GRCh38, 1-based): chr2:120,988,254, G>C. VCF-style: chr2-120988254-G-C. GRCh37 (hg19) VCF-style: chr2-121745830-G-C.
Other names: c.2340G>C, p.Ala780= (NM_001371271.1, NM_005270.5); c.1914G>C, p.Ala638= (NM_001374354.1).
Identifiers: ClinVar variation 3053603 (VCV003053603.2), dbSNP rs2105084744, ClinGen allele CA348165792.